The following is an entry in ClinVar:

NM_000256.3(MYBPC3):c.2494G>T (p.Glu832Ter)

Gene: MYBPC3 (myosin binding protein C3; minus strand). Cytogenetic location: 11p11.2.
Variant type: single nucleotide variant.
Coding change: c.2494G>T on transcript NM_000256.3 (MANE Select); coding-DNA position 2494, G replaced by T.
Protein change: p.Glu832Ter; replaces glutamic acid 832 with a stop codon.
Molecular consequence: nonsense.
Genome position (GRCh38, 1-based): chr11:47,337,499, C>A on the plus strand (G>T on the coding strand, the complement: MYBPC3 is on the minus strand). VCF-style: chr11-47337499-C-A. GRCh37 (hg19) VCF-style: chr11-47359050-C-A.
Other names: short protein forms E832*.
Identifiers: ClinVar variation 1454298 (VCV001454298.6), dbSNP rs2142855351, ClinGen allele CA380318245.

ClinVar aggregate classification (germline): Pathogenic (1 of 4 stars; one submission).

Conditions:
Hypertrophic cardiomyopathy. Also called: HYPERTROPHIC MYOCARDIOPATHY. Identifiers: Orphanet 217569, MedGen C0007194, MeSH D002312, MONDO:0005045, HP:0001639.

Submission:

Labcorp Genetics (formerly Invitae), Labcorp
Classification: Pathogenic for Hypertrophic cardiomyopathy. Last evaluated: 2021-10-07. Review status: criteria provided, single submitter. Criteria: Invitae Variant Classification Sherloc (09022015). Collection method: clinical testing. Allele origin: germline.
Comment: For these reasons, this variant has been classified as Pathogenic. This variant has not been reported in the literature in individuals affected with MYBPC3-related conditions. This sequence change creates a premature translational stop signal (p.Glu832*) in the MYBPC3 gene. It is expected to result in an absent or disrupted protein product. Loss-of-function variants in MYBPC3 are known to be pathogenic (PMID: 19574547). This variant is not present in population databases (ExAC no frequency).

Literature cited by the submitters: PubMed 19574547.